The following is an entry in ClinVar:

NM_022124.6(CDH23):c.9511-7T>C

Gene: CDH23 (cadherin related 23; plus strand). Cytogenetic location: 10q22.1.
Variant type: single nucleotide variant.
Coding change: c.9511-7T>C on transcript NM_022124.6 (MANE Select); 7 bases into the intron before coding-DNA position 9511, T replaced by C.
Molecular consequence: intron variant.
Genome position (GRCh38, 1-based): chr10:71,812,761, T>C. VCF-style: chr10-71812761-T-C. GRCh37 (hg19) VCF-style: chr10-73572518-T-C.
Other names: c.2791-7T>C (NM_001171933.1, NM_001171934.1); c.202-7T>C (NM_001171935.1, NM_001171936.1).
Identifiers: ClinVar variation 227239 (VCV000227239.21), dbSNP rs531195164, ClinGen allele CA5547118.
Genomic context (GRCh38, chr10:71,812,761, plus strand): 5'-GTGGCCCCCTCCCTTGTACATGTGTGTGGGGTCTGCCTCTGCTCCAGCTAACATCCCCTC[T>C]CCCCAGGGAACTTTTGGGCGTGAGCCAGCAGCTGTCAAGCCTGATGATGACCGATACCTG-3'

ClinVar aggregate classification (germline): Conflicting classifications of pathogenicity. Review status: criteria provided, conflicting classifications (1 of 4 stars). 6 submissions from 5 submitters: Uncertain significance (2); Likely benign (4). Last evaluated 2026-01-28.

Conditions:
Autosomal recessive nonsyndromic hearing loss 12. Also called: DEAFNESS, AUTOSOMAL RECESSIVE 12. Identifiers: Orphanet 90636, MedGen C1832394, MONDO:0011067, OMIM 601386.
Usher syndrome type 1D (USH1D). Also called: USHER SYNDROME, TYPE ID. Identifiers: Orphanet 231169, Orphanet 886, MedGen C1832845, MONDO:0010984, OMIM 601067.

Allele frequency attached by ClinVar (database versions not stated): TOPMed 0.00001; gnomAD 0.00004 and 0.00007; gnomAD exomes 0.00007 and 0.00011; ExAC 0.00011; 1000 Genomes Project 30x 0.00016; 1000 Genomes Project 0.00020.
gnomAD v4.1: 116 of 1,613,056 alleles (0.0072%); highest among the groups gnomAD compares: South Asian, 0.099%; 1 homozygote.

Submissions (6):

Labcorp Genetics (formerly Invitae), Labcorp
Classification: Likely benign. Last evaluated: 2026-01-28. Review status: criteria provided, single submitter. Criteria: Invitae Variant Classification Sherloc (09022015). Collection method: clinical testing. Allele origin: germline.

Blueprint Genetics
Classification: Likely benign. Last evaluated: 2024-03-01. Review status: criteria provided, single submitter. Criteria: ACMG Guidelines, 2015. Collection method: clinical testing. Allele origin: germline.

GeneDx
Classification: Likely benign. Last evaluated: 2021-02-05. Review status: criteria provided, single submitter. Criteria: GeneDx Variant Classification Process June 2021. Collection method: clinical testing. Allele origin: germline. Affected: yes.

Illumina Laboratory Services, Illumina
Classification: Uncertain significance for Usher syndrome type 1D. Last evaluated: 2018-01-13. Review status: criteria provided, single submitter. Criteria: ICSL Variant Classification Criteria 13 December 2019. Collection method: clinical testing. Allele origin: germline.

Illumina Laboratory Services, Illumina
Classification: Uncertain significance for Autosomal recessive nonsyndromic hearing loss 12. Last evaluated: 2018-01-13. Review status: criteria provided, single submitter. Criteria: ICSL Variant Classification Criteria 13 December 2019. Collection method: clinical testing. Allele origin: germline.

Laboratory for Molecular Medicine, Mass General Brigham Personalized Medicine
Classification: Likely benign. Last evaluated: 2016-04-07. Review status: criteria provided, single submitter. Criteria: LMM Criteria. Collection method: clinical testing. Allele origin: germline. Observed: 1 variant allele.
Comment: c.9511-7T>C in intron 67 of CDH23: This variant is not expected to have clinical significance because a T>C change at this position does not diverge from the sp lice consensus sequence and is therefore unlikely to impact splicing. It has bee n identified in 12/15560 South Asian chromosomes by the Exome Aggregation Consor tium (ExAC; dbSNP rs531195164).